The following is an entry in ClinVar:

ClinVar aggregate classification (germline): Uncertain significance. Review status: criteria provided, multiple submitters, no conflicts (2 of 4 stars). 2 submissions from 2 submitters: Uncertain significance (2). Last evaluated 2022-08-01.

Conditions:
Inborn genetic diseases. Identifiers: MedGen C0950123, MeSH D030342.

Allele frequency attached by ClinVar (database versions not stated): gnomAD 0.00009; ESP Exome Variant Server 0.00031.
gnomAD v4.1: 209 of 1,614,182 alleles (0.013%); highest among the groups gnomAD compares: Non-Finnish European, 0.017%; no homozygotes.

Submissions (2):

Labcorp Genetics (formerly Invitae), Labcorp
Classification: Uncertain significance. Last evaluated: 2022-08-01. Review status: criteria provided, single submitter. Criteria: Invitae Variant Classification Sherloc (09022015). Collection method: clinical testing. Allele origin: germline.
Comment: ClinVar contains an entry for this variant (Variation ID: 1504968). In summary, the available evidence is currently insufficient to determine the role of this variant in disease. Therefore, it has been classified as a Variant of Uncertain Significance. Algorithms developed to predict the effect of missense changes on protein structure and function are either unavailable or do not agree on the potential impact of this missense change (SIFT: "Deleterious"; PolyPhen-2: "Benign"; Align-GVGD: "Class C0"). This variant has not been reported in the literature in individuals affected with CSGALNACT1-related conditions. This variant is present in population databases (rs142112103, gnomAD 0.009%). This sequence change replaces glutamine, which is neutral and polar, with histidine, which is basic and polar, at codon 506 of the CSGALNACT1 protein (p.Gln506His).

Ambry Genetics
Classification: Uncertain significance for Inborn genetic diseases. Last evaluated: 2021-06-11. Review status: criteria provided, single submitter. Criteria: Ambry Variant Classification Scheme 2023. Collection method: clinical testing. Allele origin: germline.

NM_001354483.2(CSGALNACT1):c.1518G>T (p.Gln506His)

Gene: CSGALNACT1 (chondroitin sulfate N-acetylgalactosaminyltransferase 1; minus strand). Cytogenetic location: 8p21.3.
Variant type: single nucleotide variant.
Coding change: c.1518G>T on transcript NM_001354483.2 (MANE Select); coding-DNA position 1518, G replaced by T.
Protein change: p.Gln506His; replaces glutamine 506 with histidine.
Molecular consequence: missense variant. On other transcripts: non-coding transcript variant (7).
Genome position (GRCh38, 1-based): chr8:19,405,861, C>A on the plus strand (G>T on the coding strand, the complement: CSGALNACT1 is on the minus strand). VCF-style: chr8-19405861-C-A. GRCh37 (hg19) VCF-style: chr8-19263372-C-A.
Other names: c.1518G>T, p.Gln506His (NM_001130518.2, NM_001354475.2, NM_001354476.2 and 18 more transcripts); c.1518G>T (NM_001130518.1); short protein forms Q506H.
Identifiers: ClinVar variation 1504968 (VCV001504968.7), dbSNP rs142112103, ClinGen allele CA4653738.
Genomic context (GRCh38, chr8:19,405,861, plus strand): 5'-CTTCTGTTTCTGTTTGCGAAGGTGAGCCTCTATCTCGTGCCTGAACACCAGCATGCCCAG[C>A]TGGCCGTGGGATGCCTCGTTCATGGCCTTGGACTGCATGCACATCTTGTACTGCTCGGGG-3'
Protein context (NP_001341412.1, residues 496-516): SKAMNEASHG[Gln506His]LGMLVFRHEI